The following is an entry in ClinVar:

ClinVar aggregate classification (germline): Likely benign (1 of 4 stars; one submission).

gnomAD v4.1: 1 of 1,419,832 alleles (0.00007%); highest among the groups gnomAD compares: Non-Finnish European, 0.000094%; no homozygotes.

Submission:

CeGaT Center for Human Genetics Tuebingen
Classification: Likely benign. Last evaluated: 2025-09-01. Review status: criteria provided, single submitter. Criteria: CeGaT Center For Human Genetics Tuebingen Variant Classification Criteria Version 2. Collection method: clinical testing. Allele origin: germline. Affected: yes. Observed: 1 variant allele.
Comment: SYCP2: BP4

NM_014258.4(SYCP2):c.2659-8C>T

Gene: SYCP2 (synaptonemal complex protein 2; minus strand). Cytogenetic location: 20q13.33.
Variant type: single nucleotide variant.
Coding change: c.2659-8C>T on transcript NM_014258.4 (MANE Select); 8 bases into the intron before coding-DNA position 2659, C replaced by T.
Molecular consequence: intron variant.
Genome position (GRCh38, 1-based): chr20:59,881,500, G>A on the plus strand (C>T on the coding strand, the complement: SYCP2 is on the minus strand). VCF-style: chr20-59881500-G-A. GRCh37 (hg19) VCF-style: chr20-58456555-G-A.
Identifiers: ClinVar variation 4281006 (VCV004281006.7).